The following is an entry in ClinVar:

NM_001164508.2(NEB):c.24114G>A (p.Ser8038=)

Genes: NEB (nebulin; minus strand), RIF1 (replication timing regulatory factor 1; plus strand). Cytogenetic location: 2q23.3.
Variant type: single nucleotide variant.
Coding change: c.24114G>A on transcript NM_001164508.2 (MANE Select); coding-DNA position 24114, G replaced by A.
Protein change: p.Ser8038=; no amino-acid change (serine 8038 retained).
Molecular consequence: synonymous variant. On other transcripts: intron variant (1).
Genome position (GRCh38, 1-based): chr2:151,499,298, C>T on the plus strand (G>A on the coding strand, the complement: NEB is on the minus strand). VCF-style: chr2-151499298-C-T. GRCh37 (hg19) VCF-style: chr2-152355812-C-T.
Other names: c.24114G>A, p.Ser8038= (NM_001164507.2); c.24219G>A, p.Ser8073= (NM_001271208.2); c.18826-2930G>A (NM_004543.5).
Identifiers: ClinVar variation 1379855 (VCV001379855.5), dbSNP rs781581005, ClinGen allele CA57670446.

ClinVar aggregate classification (germline): Uncertain significance. Review status: criteria provided, multiple submitters, no conflicts (2 of 4 stars). 3 submissions from 3 submitters: Uncertain significance (3). Last evaluated 2022-08-11.

Conditions:
Nemaline myopathy 2 (NEM2). Also called: Nemaline myopathy 2, autosomal recessive. Identifiers: MedGen C1850569, MONDO:0009725, OMIM 256030.
Arthrogryposis multiplex congenita 6. Identifiers: MedGen C5543431, MONDO:0030281, OMIM 619334.

gnomAD v4.1: 19 of 1,448,378 alleles (0.0013%); highest among the groups gnomAD compares: Non-Finnish European, 0.0015%; no homozygotes.

Submissions (3):

Women's Health and Genetics/Laboratory Corporation of America, LabCorp
Classification: Uncertain significance. Last evaluated: 2022-08-11. Review status: criteria provided, single submitter. Criteria: LabCorp Variant Classification Summary - May 2015. Collection method: clinical testing. Allele origin: germline.
Comment: Variant summary: NEB c.24219G>A (p.Ser8073Ser) alters a conserved nucleotide located close to a canonical splice site and therefore could affect mRNA splicing, leading to a significantly altered protein sequence. One computational tool predicts that the variant will have a significant impact on normal splicing by abolishing a canonical 5' splicing donor site. However, these predictions have yet to be confirmed by functional studies. The variant allele was found at a frequency of 1.5e-05 in 131686 control chromosomes (gnomAD). The available data on variant occurrences in the general population are insufficient to allow any conclusion about variant significance. To our knowledge, no occurrence of c.24219G>A in individuals affected with Nemaline Myopathy 2 or other NEB-related disorders and no experimental evidence demonstrating its impact on protein function have been reported. One clinical diagnostic laboratory has submitted a clinical-significance assessment for this variant to ClinVar after 2014 and classified the variant as uncertain significance. Based on the evidence outlined above, the variant was classified as uncertain significance.

Fulgent Genetics
Classification: Uncertain significance for Nemaline myopathy 2; Arthrogryposis multiplex congenita 6. Last evaluated: 2021-11-01. Review status: criteria provided, single submitter. Criteria: ACMG Guidelines, 2015. Collection method: clinical testing. Allele origin: unknown.

Labcorp Genetics (formerly Invitae), Labcorp
Classification: Uncertain significance for Nemaline myopathy 2. Last evaluated: 2021-08-21. Review status: criteria provided, single submitter. Criteria: Invitae Variant Classification Sherloc (09022015). Collection method: clinical testing. Allele origin: germline.
Comment: This sequence change affects codon 8073 of the NEB mRNA. It is a 'silent' change, meaning that it does not change the encoded amino acid sequence of the NEB protein. This variant also falls at the last nucleotide of exon 170, which is part of the consensus splice site for this exon. This variant is not present in population databases (ExAC no frequency). This variant has not been reported in the literature in individuals affected with NEB-related conditions. Nucleotide substitutions within the consensus splice site are a relatively common cause of aberrant splicing (PMID: 17576681, 9536098). Algorithms developed to predict the effect of sequence changes on RNA splicing suggest that this variant may disrupt the consensus splice site. In summary, the available evidence is currently insufficient to determine the role of this variant in disease. Therefore, it has been classified as a Variant of Uncertain Significance.

Literature cited by the submitters: PubMed 17576681 (cited by Labcorp Genetics (formerly Invitae), Labcorp); PubMed 9536098 (cited by Labcorp Genetics (formerly Invitae), Labcorp).